The following is an entry in ClinVar:

NM_014484.5(MOCS3):c.958G>A (p.Ala320Thr)

Gene: MOCS3 (molybdenum cofactor synthesis 3; plus strand). Cytogenetic location: 20q13.13.
Variant type: single nucleotide variant.
Coding change: c.958G>A on transcript NM_014484.5 (MANE Select); coding-DNA position 958, G replaced by A.
Protein change: p.Ala320Thr; replaces alanine 320 with threonine.
Molecular consequence: missense variant.
Genome position (GRCh38, 1-based): chr20:50,959,800, G>A. VCF-style: chr20-50959800-G-A. GRCh37 (hg19) VCF-style: chr20-49576337-G-A.
Other names: short protein forms A320T.
Identifiers: ClinVar variation 4754223 (VCV004754223.1).

ClinVar aggregate classification (germline): Uncertain significance (1 of 4 stars; one submission).

Submission:

Labcorp Genetics (formerly Invitae), Labcorp
Classification: Uncertain significance. Last evaluated: 2025-02-27. Review status: criteria provided, single submitter. Criteria: Invitae Variant Classification Sherloc (09022015). Collection method: clinical testing. Allele origin: germline.
Comment: This sequence change replaces alanine, which is neutral and non-polar, with threonine, which is neutral and polar, at codon 320 of the MOCS3 protein (p.Ala320Thr). This variant is present in population databases (rs372387700, gnomAD 0.007%). This variant has not been reported in the literature in individuals affected with MOCS3-related conditions. An algorithm developed to predict the effect of missense changes on protein structure and function (PolyPhen-2) suggests that this variant is likely to be tolerated. In summary, the available evidence is currently insufficient to determine the role of this variant in disease. Therefore, it has been classified as a Variant of Uncertain Significance.